The following is an entry in ClinVar:

ClinVar aggregate classification (germline): Uncertain significance (1 of 4 stars; one submission).

Conditions:
Hypertrophic cardiomyopathy 14. Identifiers: MedGen C2750467, MONDO:0013197, OMIM 613251.

Allele frequency attached by ClinVar (database versions not stated): gnomAD exomes below 0.00001.
gnomAD v4.1: 3 of 1,614,182 alleles (0.00019%); highest among the groups gnomAD compares: Non-Finnish European, 0.00025%; no homozygotes.

Submission:

Labcorp Genetics (formerly Invitae), Labcorp
Classification: Uncertain significance for Hypertrophic cardiomyopathy 14. Last evaluated: 2021-04-09. Review status: criteria provided, single submitter. Criteria: Invitae Variant Classification Sherloc (09022015). Collection method: clinical testing. Allele origin: germline.
Comment: In summary, the available evidence is currently insufficient to determine the role of this variant in disease. Therefore, it has been classified as a Variant of Uncertain Significance. Algorithms developed to predict the effect of missense changes on protein structure and function are either unavailable or do not agree on the potential impact of this missense change (SIFT: "Tolerated"; PolyPhen-2: "Probably Damaging"; Align-GVGD: "Class C0"). This variant has not been reported in the literature in individuals with MYH6-related conditions. This variant is not present in population databases (ExAC no frequency). This sequence change replaces aspartic acid with glycine at codon 1070 of the MYH6 protein (p.Asp1070Gly). The aspartic acid residue is weakly conserved and there is a moderate physicochemical difference between aspartic acid and glycine.

NM_002471.4(MYH6):c.3209A>G (p.Asp1070Gly)

Gene: MYH6 (myosin heavy chain 6; minus strand). Cytogenetic location: 14q11.2.
Variant type: single nucleotide variant.
Coding change: c.3209A>G on transcript NM_002471.4 (MANE Select); coding-DNA position 3209, A replaced by G.
Protein change: p.Asp1070Gly; replaces aspartic acid 1070 with glycine.
Molecular consequence: missense variant.
Genome position (GRCh38, 1-based): chr14:23,392,954, T>C on the plus strand (A>G on the coding strand, the complement: MYH6 is on the minus strand). VCF-style: chr14-23392954-T-C. GRCh37 (hg19) VCF-style: chr14-23862163-T-C.
Other names: short protein forms D1070G.
Identifiers: ClinVar variation 1386047 (VCV001386047.8), dbSNP rs2138597363, ClinGen allele CA389009098.